The following is an entry in ClinVar:

NM_001854.4(COL11A1):c.360T>A (p.Asn120Lys)

Gene: COL11A1 (collagen type XI alpha 1 chain; minus strand). Cytogenetic location: 1p21.1.
Variant type: single nucleotide variant.
Coding change: c.360T>A on transcript NM_001854.4 (MANE Select); coding-DNA position 360, T replaced by A.
Protein change: p.Asn120Lys; replaces asparagine 120 with lysine.
Molecular consequence: missense variant. On other transcripts: non-coding transcript variant (1).
Genome position (GRCh38, 1-based): chr1:103,078,786, A>T on the plus strand (T>A on the coding strand, the complement: COL11A1 is on the minus strand). VCF-style: chr1-103078786-A-T. GRCh37 (hg19) VCF-style: chr1-103544342-A-T.
Other names: c.360T>A, p.Asn120Lys (NM_001190709.2, NM_080629.3, NM_080630.4); short protein forms N120K.
Identifiers: ClinVar variation 4781232 (VCV004781232.1).
Genomic context (GRCh38, chr1:103,078,786, plus strand): 5'-TTCAAACAGAAAAACAGGTGATCTCCCAACCTCAACACCAATTTGCTGAATACCATGCTC[A>T]TTATATATAGATAAAAGGAAAGACTGAATTCCTTTTTTTGGTTTTACTGTAAATAGTATT-3'
Protein context (NP_001845.3, residues 110-130): GIQSFLLSIY[Asn120Lys]EHGIQQIGVE

ClinVar aggregate classification (germline): Uncertain significance (1 of 4 stars; one submission).

Submission:

Labcorp Genetics (formerly Invitae), Labcorp
Classification: Uncertain significance. Last evaluated: 2025-02-25. Review status: criteria provided, single submitter. Criteria: Invitae Variant Classification Sherloc (09022015). Collection method: clinical testing. Allele origin: germline.
Comment: This sequence change replaces asparagine, which is neutral and polar, with lysine, which is basic and polar, at codon 120 of the COL11A1 protein (p.Asn120Lys). This variant is not present in population databases (gnomAD no frequency). This variant has not been reported in the literature in individuals affected with COL11A1-related conditions. Invitae Evidence Modeling of protein sequence and biophysical properties (such as structural, functional, and spatial information, amino acid conservation, physicochemical variation, residue mobility, and thermodynamic stability) indicates that this missense variant is not expected to disrupt COL11A1 protein function with a negative predictive value of 95%. In summary, the available evidence is currently insufficient to determine the role of this variant in disease. Therefore, it has been classified as a Variant of Uncertain Significance.